The following is an entry in ClinVar:

ClinVar aggregate classification (germline): Uncertain significance (1 of 4 stars; one submission).

Allele frequency attached by ClinVar (database versions not stated): ExAC 0.00001; gnomAD 0.00002; TOPMed 0.00003.
gnomAD v4.1: 44 of 1,610,610 alleles (0.0027%); highest among the groups gnomAD compares: African/African-American, 0.0053%; no homozygotes.

Submission:

Labcorp Genetics (formerly Invitae), Labcorp
Classification: Uncertain significance. Last evaluated: 2025-11-28. Review status: criteria provided, single submitter. Criteria: Invitae Variant Classification Sherloc (09022015). Collection method: clinical testing. Allele origin: germline.
Comment: This sequence change replaces arginine, which is basic and polar, with cysteine, which is neutral and slightly polar, at codon 409 of the LTBP2 protein (p.Arg409Cys). This variant is present in population databases (rs755647932, gnomAD 0.008%). This variant has not been reported in the literature in individuals affected with LTBP2-related conditions. ClinVar contains an entry for this variant (Variation ID: 2179293). An algorithm developed to predict the effect of missense changes on protein structure and function (PolyPhen-2) suggests that this variant is likely to be disruptive. In summary, the available evidence is currently insufficient to determine the role of this variant in disease. Therefore, it has been classified as a Variant of Uncertain Significance.

NM_000428.3(LTBP2):c.1225C>T (p.Arg409Cys)

Gene: LTBP2 (latent transforming growth factor beta binding protein 2; minus strand). Cytogenetic location: 14q24.3.
Variant type: single nucleotide variant.
Coding change: c.1225C>T on transcript NM_000428.3 (MANE Select); coding-DNA position 1225, C replaced by T.
Protein change: p.Arg409Cys; replaces arginine 409 with cysteine.
Molecular consequence: missense variant.
Genome position (GRCh38, 1-based): chr14:74,552,361, G>A on the plus strand (C>T on the coding strand, the complement: LTBP2 is on the minus strand). VCF-style: chr14-74552361-G-A. GRCh37 (hg19) VCF-style: chr14-75019064-G-A.
Other names: short protein forms R409C.
Identifiers: ClinVar variation 2179293 (VCV002179293.2), dbSNP rs755647932, ClinGen allele CA7269948.